The following is an entry in ClinVar:

ClinVar aggregate classification (germline): Pathogenic (1 of 4 stars; one submission).

Submission:

Labcorp Genetics (formerly Invitae), Labcorp
Classification: Pathogenic. Last evaluated: 2019-07-15. Review status: criteria provided, single submitter. Criteria: Invitae Variant Classification Sherloc (09022015). Collection method: clinical testing. Allele origin: germline.
Comment: This variant is not present in population databases (ExAC no frequency). This sequence change replaces arginine with leucine at codon 243 of the NKX2-1 protein (p.Arg243Leu). The arginine residue is highly conserved and there is a moderate physicochemical difference between arginine and leucine. Algorithms developed to predict the effect of missense changes on protein structure and function (SIFT, PolyPhen-2, Align-GVGD) all suggest that this variant is likely to be disruptive, but these predictions have not been confirmed by published functional studies and their clinical significance is uncertain. Different missense substitutions at this codon (p.Arg243Ser, p.Arg243His, p.Arg243Cys, p.Arg243Pro) have been reported in several individuals affected with hereditary chorea (PMID: 11971878, 28732825, 26640963, 22832740). This suggests that the arginine residue is critical for NKX2-1 protein function and that other missense substitutions at this position may also be pathogenic. For these reasons, this variant has been classified as Pathogenic.

Literature cited by the submitters: PubMed 11971878; PubMed 28732825; PubMed 26640963; PubMed 22832740.

NM_001079668.3(NKX2-1):c.728G>T (p.Arg243Leu)

Genes: NKX2-1 (NK2 homeobox 1; minus strand), SFTA3 (surfactant associated 3; minus strand). Cytogenetic location: 14q13.3.
Variant type: single nucleotide variant.
Coding change: c.728G>T on transcript NM_001079668.3 (MANE Select); coding-DNA position 728, G replaced by T.
Protein change: p.Arg243Leu; replaces arginine 243 with leucine.
Molecular consequence: missense variant.
Genome position (GRCh38, 1-based): chr14:36,517,756, C>A on the plus strand (G>T on the coding strand, the complement: NKX2-1 is on the minus strand). VCF-style: chr14-36517756-C-A. GRCh37 (hg19) VCF-style: chr14-36986961-C-A.
Other names: c.638G>T, p.Arg213Leu (NM_003317.4); short protein forms R213L, R243L.
Identifiers: ClinVar variation 957394 (VCV000957394.9), dbSNP rs1057524869, ClinGen allele CA389459175.